The following is an entry in ClinVar:

ClinVar aggregate classification (germline): Uncertain significance (1 of 4 stars; one submission).

Conditions:
Cardiovascular phenotype. Identifiers: MedGen CN230736.

Allele frequency attached by ClinVar (database versions not stated): gnomAD exomes below 0.00001; TOPMed 0.00001.
gnomAD v4.1: 2 of 1,610,218 alleles (0.00012%); highest among the groups gnomAD compares: Admixed American, 0.0017%; no homozygotes.

Submission:

Ambry Genetics
Classification: Uncertain significance for Cardiovascular phenotype. Last evaluated: 2019-12-19. Review status: criteria provided, single submitter. Criteria: Ambry Variant Classification Scheme 2023. Collection method: clinical testing. Allele origin: germline.
Comment: The p.E448D variant (also known as c.1344G>C), located in coding exon 21 of the TRDN gene, results from a G to C substitution at nucleotide position 1344. The glutamic acid at codon 448 is replaced by aspartic acid, an amino acid with highly similar properties. This amino acid position is highly conserved in available vertebrate species. In addition, this alteration is predicted to be tolerated by in silico analysis. Since supporting evidence is limited at this time, the clinical significance of this alteration remains unclear.

NM_006073.4(TRDN):c.1344G>C (p.Glu448Asp)

Gene: TRDN (triadin; minus strand). Cytogenetic location: 6q22.31.
Variant type: single nucleotide variant.
Coding change: c.1344G>C on transcript NM_006073.4 (MANE Select); coding-DNA position 1344, G replaced by C.
Protein change: p.Glu448Asp; replaces glutamic acid 448 with aspartic acid.
Molecular consequence: missense variant.
Genome position (GRCh38, 1-based): chr6:123,352,564, C>G on the plus strand (G>C on the coding strand, the complement: TRDN is on the minus strand). VCF-style: chr6-123352564-C-G. GRCh37 (hg19) VCF-style: chr6-123673709-C-G.
Other names: c.1347G>C, p.Glu449Asp (NM_001251987.2); c.1287G>C, p.Glu429Asp (NM_001407315.1); short protein forms E449D, E429D, E448D.
Identifiers: ClinVar variation 1770433 (VCV001770433.2), dbSNP rs1240698401, ClinGen allele CA365566078.